The following is an entry in ClinVar:

ClinVar aggregate classification (germline): Uncertain significance (1 of 4 stars; one submission).

Conditions:
Neuropathy, hereditary sensory and autonomic, type 2A (HSAN2A). Also called: HSAN IIA; ACROOSTEOLYSIS, GIACCAI TYPE; ACROOSTEOLYSIS, NEUROGENIC; MORVAN DISEASE; NEUROPATHY, CONGENITAL SENSORY; NEUROPATHY, HEREDITARY SENSORY RADICULAR, AUTOSOMAL RECESSIVE. Identifiers: Orphanet 970, MedGen C2752089, MONDO:0024309, OMIM 201300.
Generalized epilepsy with febrile seizures plus, type 7 (GEFSP7). Also called: GEFS+, TYPE 7. Identifiers: Orphanet 36387, MedGen C2751778, MONDO:0013470, OMIM 613863.

Allele frequency attached by ClinVar (database versions not stated): gnomAD exomes below 0.00001.
gnomAD v4.1: 2 of 1,610,374 alleles (0.00012%); highest among the groups gnomAD compares: Admixed American, 0.0034%; no homozygotes.

Submission:

Labcorp Genetics (formerly Invitae), Labcorp
Classification: Uncertain significance for Neuropathy, hereditary sensory and autonomic, type 2A; Generalized epilepsy with febrile seizures plus, type 7. Last evaluated: 2024-01-29. Review status: criteria provided, single submitter. Criteria: Invitae Variant Classification Sherloc (09022015). Collection method: clinical testing. Allele origin: germline.
Comment: This sequence change replaces asparagine, which is neutral and polar, with serine, which is neutral and polar, at codon 1091 of the SCN9A protein (p.Asn1091Ser). This variant is present in population databases (no rsID available, gnomAD 0.003%). This variant has not been reported in the literature in individuals affected with SCN9A-related conditions. ClinVar contains an entry for this variant (Variation ID: 1050918). Advanced modeling of protein sequence and biophysical properties (such as structural, functional, and spatial information, amino acid conservation, physicochemical variation, residue mobility, and thermodynamic stability) performed at Invitae indicates that this missense variant is not expected to disrupt SCN9A protein function with a negative predictive value of 95%. In summary, the available evidence is currently insufficient to determine the role of this variant in disease. Therefore, it has been classified as a Variant of Uncertain Significance.

NM_001365536.1(SCN9A):c.3305A>G (p.Asn1102Ser)

Genes: SCN9A (sodium voltage-gated channel alpha subunit 9; minus strand), SCN1A-AS1 (SCN1A and SCN9A antisense RNA 1; plus strand). Cytogenetic location: 2q24.3.
Variant type: single nucleotide variant.
Coding change: c.3305A>G on transcript NM_001365536.1 (MANE Select); coding-DNA position 3305, A replaced by G.
Protein change: p.Asn1102Ser; replaces asparagine 1102 with serine.
Molecular consequence: missense variant.
Genome position (GRCh38, 1-based): chr2:166,272,445, T>C on the plus strand (A>G on the coding strand, the complement: SCN9A is on the minus strand). VCF-style: chr2-166272445-T-C. GRCh37 (hg19) VCF-style: chr2-167128955-T-C.
Other names: c.3272A>G, p.Asn1091Ser (NM_002977.4); short protein forms N1091S, N1102S.
Identifiers: ClinVar variation 1050918 (VCV001050918.9), dbSNP rs1213509906, ClinGen allele CA349072599.
Genomic context (GRCh38, chr2:166,272,445, plus strand): 5'-TGAAGCATTCTTACCACTTTGCTGTATTCACTATCCGAATCACTGCTAAGTTCCTCAGCA[T>C]TCATATTTTCCAAATCGGATTCCCCAGGTGCAATTGGCACTGTCACTGTGAGGCTGGGAT-3'
Protein context (NP_001352465.1, residues 1092-1112): APGESDLENM[Asn1102Ser]AEELSSDSDS